The following is an entry in ClinVar:

ClinVar aggregate classification (germline): Uncertain significance (1 of 4 stars; one submission).

gnomAD v4.1: 6 of 1,613,600 alleles (0.00037%); highest among the groups gnomAD compares: Non-Finnish European, 0.00034%; no homozygotes.

Submission:

Labcorp Genetics (formerly Invitae), Labcorp
Classification: Uncertain significance. Last evaluated: 2022-07-24. Review status: criteria provided, single submitter. Criteria: Invitae Variant Classification Sherloc (09022015). Collection method: clinical testing. Allele origin: germline.
Comment: This sequence change replaces serine, which is neutral and polar, with phenylalanine, which is neutral and non-polar, at codon 441 of the TAPT1 protein (p.Ser441Phe). In summary, the available evidence is currently insufficient to determine the role of this variant in disease. Therefore, it has been classified as a Variant of Uncertain Significance. Algorithms developed to predict the effect of missense changes on protein structure and function are either unavailable or do not agree on the potential impact of this missense change (SIFT: "Deleterious"; PolyPhen-2: "Possibly Damaging"; Align-GVGD: "Class C0"). This variant has not been reported in the literature in individuals affected with TAPT1-related conditions. This variant is not present in population databases (gnomAD no frequency).

NM_153365.3(TAPT1):c.1322C>T (p.Ser441Phe)

Gene: TAPT1 (transmembrane anterior posterior transformation 1; minus strand). Cytogenetic location: 4p15.32.
Variant type: single nucleotide variant.
Coding change: c.1322C>T on transcript NM_153365.3 (MANE Select); coding-DNA position 1322, C replaced by T.
Protein change: p.Ser441Phe; replaces serine 441 with phenylalanine.
Molecular consequence: missense variant.
Genome position (GRCh38, 1-based): chr4:16,166,785, G>A on the plus strand (C>T on the coding strand, the complement: TAPT1 is on the minus strand). VCF-style: chr4-16166785-G-A. GRCh37 (hg19) VCF-style: chr4-16168408-G-A.
Other names: short protein forms S441F.
Identifiers: ClinVar variation 2096875 (VCV002096875.4), dbSNP rs935776529, ClinGen allele CA356492258.